The following is an entry in ClinVar:

NM_006302.3(MOGS):c.478C>T (p.His160Tyr)

Gene: MOGS (mannosyl-oligosaccharide glucosidase; minus strand). Cytogenetic location: 2p13.1.
Variant type: single nucleotide variant.
Coding change: c.478C>T on transcript NM_006302.3 (MANE Select); coding-DNA position 478, C replaced by T.
Protein change: p.His160Tyr; replaces histidine 160 with tyrosine.
Molecular consequence: missense variant.
Genome position (GRCh38, 1-based): chr2:74,464,597, G>A on the plus strand (C>T on the coding strand, the complement: MOGS is on the minus strand). VCF-style: chr2-74464597-G-A. GRCh37 (hg19) VCF-style: chr2-74691724-G-A.
Other names: c.160C>T, p.His54Tyr (NM_001146158.2); short protein forms H160Y, H54Y.
Identifiers: ClinVar variation 1985716 (VCV001985716.4), dbSNP rs897234939, ClinGen allele CA50476850.
Genomic context (GRCh38, chr2:74,464,597, plus strand): 5'-GCTGACCCCCAGGCCTCTTGACGAACTCAGTGGTGAGCCTTAAGGCCCCATCCTGGATGT[G>A]TTGGCGCCCGAAGGAGAGGCCGTCGTGGAACTCCCAGCCATAGGGACCCACACCGTCCCC-3'
Protein context (NP_006293.2, residues 150-170): FHDGLSFGRQ[His160Tyr]IQDGALRLTT

ClinVar aggregate classification (germline): Uncertain significance (1 of 4 stars; one submission).

Conditions:
MOGS-congenital disorder of glycosylation. Also called: CDG IIb; GLUCOSIDASE I DEFICIENCY; MOGS-CDG; CDG 2B. Identifiers: Orphanet 79330, MedGen C1853736, MONDO:0011629, OMIM 606056.

Allele frequency attached by ClinVar (database versions not stated): gnomAD exomes below 0.00001; gnomAD 0.00001; TOPMed 0.00003.

Submission:

Labcorp Genetics (formerly Invitae), Labcorp
Classification: Uncertain significance for MOGS-congenital disorder of glycosylation. Last evaluated: 2022-08-20. Review status: criteria provided, single submitter. Criteria: Invitae Variant Classification Sherloc (09022015). Collection method: clinical testing. Allele origin: germline.
Comment: In summary, the available evidence is currently insufficient to determine the role of this variant in disease. Therefore, it has been classified as a Variant of Uncertain Significance. Algorithms developed to predict the effect of missense changes on protein structure and function are either unavailable or do not agree on the potential impact of this missense change (SIFT: "Tolerated"; PolyPhen-2: "Possibly Damaging"; Align-GVGD: "Class C0"). This variant has not been reported in the literature in individuals affected with MOGS-related conditions. This variant is not present in population databases (gnomAD no frequency). This sequence change replaces histidine, which is basic and polar, with tyrosine, which is neutral and polar, at codon 160 of the MOGS protein (p.His160Tyr).